The following is an entry in ClinVar:

ClinVar aggregate classification (germline): Uncertain significance. Review status: criteria provided, multiple submitters, no conflicts (2 of 4 stars). 7 submissions from 7 submitters: Uncertain significance (7). Last evaluated 2024-09-25.

Conditions:
Congenital multicore myopathy with external ophthalmoplegia (CMYO1B). Also called: MULTICORE MYOPATHY; Congenital myopathy 1B, autosomal recessive; Minicore myopathy; MULTIMINICORE DISEASE WITH EXTERNAL OPHTHALMOPLEGIA; Minicore myopathy with external ophthalmoplegia. Identifiers: Orphanet 598, Orphanet 98905, MedGen C1850674, MONDO:0009712, OMIM 255320, HP:0003789.
Central core myopathy (CMYO1A). Also called: Central core disease; Myopathy, central fibrillar; CONGENITAL MYOPATHY 1A, AUTOSOMAL DOMINANT, WITH SUSCEPTIBILITY TO MALIGNANT HYPERTHERMIA. Identifiers: Orphanet 597, MedGen C5830701, MONDO:0007294, OMIM 117000.
Malignant hyperthermia, susceptibility to, 1 (MHS1). Also called: Malignant hyperthermia suceptibility 1; RYR1-Related Malignant Hyperthermia Susceptibility; Anesthesia related hyperthermia; Malignant hyperpyrexia; Fulminating hyperpyrexia; Pharmacogenic myopathy. Identifiers: Orphanet 423, MedGen C2930980, MONDO:0007783, OMIM 145600.
King Denborough syndrome (KDS). Identifiers: MedGen C1840365, MONDO:0020485, OMIM 619542.
Congenital myopathy with fiber type disproportion. Also called: Congenital fiber-type disproportion; Congenital fiber-type disproportion myopathy. Identifiers: MONDO:0009711, Orphanet 2020, MedGen C0546264. Inheritance: all.
RYR1-related disorder. Also called: RYR1-related disorders; RYR1-related condition. Identifiers: MedGen CN239331.

Allele frequency attached by ClinVar (database versions not stated): gnomAD 0.00003; TOPMed 0.00003.
gnomAD v4.1: 27 of 1,613,994 alleles (0.0017%); highest among the groups gnomAD compares: Middle Eastern, 0.016%; no homozygotes.

Submissions (7):

Revvity Omics, Revvity
Classification: Uncertain significance. Last evaluated: 2024-09-25. Review status: criteria provided, single submitter. Criteria: ACMG Guidelines, 2015. Collection method: clinical testing. Allele origin: germline.

GeneDx
Classification: Uncertain significance. Last evaluated: 2024-07-09. Review status: criteria provided, single submitter. Criteria: GeneDx Variant Classification Process June 2021. Collection method: clinical testing. Allele origin: germline. Affected: yes.
Comment: Reported in an individual with idiopathic hyperCKemia in published literature (PMID: 20681998); In silico analysis supports that this missense variant has a deleterious effect on protein structure/function; This variant is associated with the following publications: (PMID: 24195946, 35677449, 20681998)

Color Diagnostics, LLC DBA Color Health
Classification: Uncertain significance for Malignant hyperthermia, susceptibility to, 1. Last evaluated: 2024-05-22. Review status: criteria provided, single submitter. Criteria: ACMG Guidelines, 2015. Collection method: clinical testing. Allele origin: germline.
Comment: This missense variant replaces asparagine with lysine at codon 899 of the RYR1 protein. Computational prediction suggests that this variant may not impact protein structure and function. To our knowledge, functional studies have not been reported for this variant. This variant has been reported in an individual affected with idiopathic hyperCKemia, diagnosed as malignant hyperthermia equivocal by in vitro contracture test (PMID: 20681998). This variant has been identified in 9/251490 chromosomes in the general population by the Genome Aggregation Database (gnomAD). The available evidence is insufficient to determine the role of this variant in disease conclusively. Therefore, this variant is classified as a Variant of Uncertain Significance.

3billion
Classification: Uncertain significance for Central core myopathy. Last evaluated: 2023-07-31. Review status: criteria provided, single submitter. Criteria: ACMG Guidelines, 2015. Collection method: clinical testing. Allele origin: germline. Affected: yes.
Comment: The variant is observed at an extremely low frequency in the gnomAD v2.1.1 dataset (total allele frequency: 0.004%). Predicted Consequence/Location: Missense variant In silico tool predictions suggest no damaging effect of the variant on gene or gene product (REVEL: 0.40; 3Cnet: 0.13). Therefore, this variant is classified as VUS according to the recommendation of ACMG/AMP guideline.

Labcorp Genetics (formerly Invitae), Labcorp
Classification: Uncertain significance for RYR1-related disorder. Last evaluated: 2022-09-01. Review status: criteria provided, single submitter. Criteria: Invitae Variant Classification Sherloc (09022015). Collection method: clinical testing. Allele origin: germline.
Comment: This sequence change replaces asparagine, which is neutral and polar, with lysine, which is basic and polar, at codon 899 of the RYR1 protein (p.Asn899Lys). This variant is present in population databases (rs201401814, gnomAD 0.04%). This missense change has been observed in individual(s) with idiopathic hyperCKemia and equivocal in vitro contracture test result with halothane and a negative personal and family history for malignant hyperthermia (PMID: 20681998, 24195946). ClinVar contains an entry for this variant (Variation ID: 224375). Advanced modeling of protein sequence and biophysical properties (such as structural, functional, and spatial information, amino acid conservation, physicochemical variation, residue mobility, and thermodynamic stability) performed at Invitae indicates that this missense variant is not expected to disrupt RYR1 protein function. In summary, the available evidence is currently insufficient to determine the role of this variant in disease. Therefore, it has been classified as a Variant of Uncertain Significance.

Fulgent Genetics
Classification: Uncertain significance for Central core myopathy; Malignant hyperthermia, susceptibility to, 1; Congenital myopathy 4A, autosomal dominant; Congenital multicore myopathy with external ophthalmoplegia; King Denborough syndrome. Last evaluated: 2021-07-12. Review status: criteria provided, single submitter. Criteria: ACMG Guidelines, 2015. Collection method: clinical testing. Allele origin: unknown.

Biesecker Lab/Clinical Genomics Section, National Institutes of Health
Classification: Uncertain significance for Malignant hyperthermia, susceptibility to, 1. Last evaluated: 2013-07-01. Review status: criteria provided, single submitter. Criteria: Gonsalves et al. 2013. Collection method: research. Allele origin: unknown. Observed: 1 variant allele. Study: ClinSeq.
Comment: The study set was not selected for affection status in relation to any myopathy. Pathogenicity categories were based on literature curation. See Pubmed ID: 24195946 for details.

Literature cited by the submitters: PubMed 20681998 (cited by Color Diagnostics, LLC DBA Color Health and Labcorp Genetics (formerly Invitae), Labcorp); PubMed 24195946 (cited by Labcorp Genetics (formerly Invitae), Labcorp).

NM_000540.3(RYR1):c.2697C>A (p.Asn899Lys)

Gene: RYR1 (ryanodine receptor 1; plus strand). Cytogenetic location: 19q13.2.
Variant type: single nucleotide variant.
Coding change: c.2697C>A on transcript NM_000540.3 (MANE Select); coding-DNA position 2697, C replaced by A.
Protein change: p.Asn899Lys; replaces asparagine 899 with lysine.
Molecular consequence: missense variant.
Genome position (GRCh38, 1-based): chr19:38,463,761, C>A. VCF-style: chr19-38463761-C-A. GRCh37 (hg19) VCF-style: chr19-38954401-C-A.
Other names: c.2697C>A, p.Asn899Lys (NM_001042723.2); short protein forms N899K.
Identifiers: ClinVar variation 224375 (VCV000224375.12), dbSNP rs201401814, ClinGen allele CA063798.